The following is an entry in ClinVar:

NM_000137.4(FAH):c.1077C>T (p.Phe359=)

Gene: FAH (fumarylacetoacetate hydrolase; plus strand). Cytogenetic location: 15q25.1.
Variant type: single nucleotide variant.
Coding change: c.1077C>T on transcript NM_000137.4 (MANE Select); coding-DNA position 1077, C replaced by T.
Protein change: p.Phe359=; no amino-acid change (phenylalanine 359 retained).
Molecular consequence: synonymous variant.
Genome position (GRCh38, 1-based): chr15:80,181,056, C>T. VCF-style: chr15-80181056-C-T. GRCh37 (hg19) VCF-style: chr15-80473398-C-T.
Other names: c.1077C>T, p.Phe359= (NM_001374377.1, NM_001374380.1).
Identifiers: ClinVar variation 682378 (VCV000682378.12), dbSNP rs145570259, ClinGen allele CA7691481.

ClinVar aggregate classification (germline): Likely benign. Review status: criteria provided, multiple submitters, no conflicts (2 of 4 stars). 4 submissions from 4 submitters: Likely benign (2). 2 of the submissions do not count toward it. Last evaluated 2025-09-30.

Conditions:
FAH-related disorder. Also called: FAH-related condition.
Tyrosinemia type I (TYRSN1). Also called: Deficiency of fumarylacetoacetase; FAH DEFICIENCY; Tyrosinemia type 1; Fumarylacetoacetase deficiency; HEPATORENAL TYROSINEMIA. Identifiers: Orphanet 882, MedGen C0268490, MONDO:0010161, OMIM 276700. Disease mechanism: loss of function.

Allele frequency attached by ClinVar (database versions not stated): gnomAD exomes 0.00001 and 0.00002; ExAC 0.00003; gnomAD 0.00011 and 0.00012; TOPMed 0.00014; ESP Exome Variant Server 0.00015.
gnomAD v4.1: 31 of 1,613,050 alleles (0.0019%); highest among the groups gnomAD compares: African/African-American, 0.032%; no homozygotes.

Submissions (4):

Labcorp Genetics (formerly Invitae), Labcorp
Classification: Likely benign for Tyrosinemia type I. Last evaluated: 2025-09-30. Review status: criteria provided, single submitter. Criteria: Invitae Variant Classification Sherloc (09022015). Collection method: clinical testing. Allele origin: germline.

GeneDx
Classification: Likely benign. Last evaluated: 2018-05-11. Review status: criteria provided, single submitter. Criteria: GeneDx Variant Classification (06012015). Collection method: clinical testing. Allele origin: germline. Affected: yes.
Comment: This variant is considered likely benign or benign based on one or more of the following criteria: it is a conservative change, it occurs at a poorly conserved position in the protein, it is predicted to be benign by multiple in silico algorithms, and/or has population frequency not consistent with disease.

PreventionGenetics, part of Exact Sciences
Classification: Likely benign for FAH-related condition. Last evaluated: 2021-05-04. Review status: no assertion criteria provided. Collection method: clinical testing. Allele origin: germline. Not counted in ClinVar's aggregate classification.
Comment: This variant is classified as likely benign based on ACMG/AMP sequence variant interpretation guidelines (Richards et al. 2015 PMID: 25741868, with internal and published modifications).

Natera, Inc.
Classification: Likely benign for Tyrosinemia type I. Last evaluated: 2020-09-16. Review status: no assertion criteria provided. Collection method: clinical testing. Allele origin: germline. Not counted in ClinVar's aggregate classification.